The following is an entry in ClinVar:

NM_001099922.3(ALG13):c.593C>T (p.Thr198Ile)

Gene: ALG13 (ALG13 UDP-N-acetylglucosaminyltransferase subunit; plus strand). Cytogenetic location: Xq23.
Variant type: single nucleotide variant.
Coding change: c.593C>T on transcript NM_001099922.3 (MANE Select); coding-DNA position 593, C replaced by T.
Protein change: p.Thr198Ile; replaces threonine 198 with isoleucine.
Molecular consequence: missense variant. On other transcripts: non-coding transcript variant (1).
Genome position (GRCh38, 1-based): chrX:111,708,236, C>T. VCF-style: chrX-111708236-C-T. GRCh37 (hg19) VCF-style: chrX-110951464-C-T.
Other names: c.281C>T, p.Thr94Ile (NM_001257230.2, NM_001257234.2, NM_001257237.2 and 1 more transcripts); c.359C>T, p.Thr120Ile (NM_001257231.2); c.593C>T, p.Thr198Ile (NM_001324292.2); short protein forms T94I, T120I, T198I.
Identifiers: ClinVar variation 1971013 (VCV001971013.5), dbSNP rs1939125465, ClinGen allele CA414249635.

ClinVar aggregate classification (germline): Uncertain significance (1 of 4 stars; one submission).

Conditions:
Developmental and epileptic encephalopathy, 36 (DEE36). Also called: Epileptic encephalopathy, early infantile, 36; Congenital disorder of glycosylation, type Is; ALG13-CDG. Identifiers: Orphanet 324422, MedGen C4317295, MONDO:0010472, OMIM 300884.

Allele frequency attached by ClinVar (database versions not stated): TOPMed below 0.00001; gnomAD 0.00001; gnomAD exomes 0.00001.
gnomAD v4.1: 10 of 1,209,717 alleles (0.00083%); highest among the groups gnomAD compares: African/African-American, 0.0018%; no homozygotes.

Submission:

Labcorp Genetics (formerly Invitae), Labcorp
Classification: Uncertain significance for Developmental and epileptic encephalopathy, 36. Last evaluated: 2024-01-27. Review status: criteria provided, single submitter. Criteria: Invitae Variant Classification Sherloc (09022015). Collection method: clinical testing. Allele origin: germline.
Comment: This sequence change replaces threonine, which is neutral and polar, with isoleucine, which is neutral and non-polar, at codon 198 of the ALG13 protein (p.Thr198Ile). This variant is not present in population databases (gnomAD no frequency). This variant has not been reported in the literature in individuals affected with ALG13-related conditions. ClinVar contains an entry for this variant (Variation ID: 1971013). Algorithms developed to predict the effect of missense changes on protein structure and function output the following: SIFT: "Not Available"; PolyPhen-2: "Benign"; Align-GVGD: "Not Available". The isoleucine amino acid residue is found in multiple mammalian species, which suggests that this missense change does not adversely affect protein function. In summary, the available evidence is currently insufficient to determine the role of this variant in disease. Therefore, it has been classified as a Variant of Uncertain Significance.